The following is an entry in ClinVar:

NM_001457.4(FLNB):c.6754T>A (p.Tyr2252Asn)

Gene: FLNB (filamin B; plus strand). Cytogenetic location: 3p14.3.
Variant type: single nucleotide variant.
Coding change: c.6754T>A on transcript NM_001457.4 (MANE Select); coding-DNA position 6754, T replaced by A.
Protein change: p.Tyr2252Asn; replaces tyrosine 2252 with asparagine.
Molecular consequence: missense variant.
Genome position (GRCh38, 1-based): chr3:58,154,910, T>A. VCF-style: chr3-58154910-T-A. GRCh37 (hg19) VCF-style: chr3-58140637-T-A.
Other names: c.6847T>A, p.Tyr2283Asn (NM_001164317.2); c.6721T>A, p.Tyr2241Asn (NM_001164318.2); c.6682T>A, p.Tyr2228Asn (NM_001164319.2); short protein forms Y2241N, Y2252N, Y2228N, Y2283N.
Identifiers: ClinVar variation 3682108 (VCV003682108.2).

ClinVar aggregate classification (germline): Uncertain significance (1 of 4 stars; one submission).

gnomAD v4.1: 1 of 1,613,998 alleles (0.000062%); highest among the groups gnomAD compares: African/African-American, 0.0013%; no homozygotes.

Submission:

Labcorp Genetics (formerly Invitae), Labcorp
Classification: Uncertain significance. Last evaluated: 2024-10-22. Review status: criteria provided, single submitter. Criteria: Invitae Variant Classification Sherloc (09022015). Collection method: clinical testing. Allele origin: germline.
Comment: This sequence change replaces tyrosine, which is neutral and polar, with asparagine, which is neutral and polar, at codon 2252 of the FLNB protein (p.Tyr2252Asn). This variant is not present in population databases (gnomAD no frequency). This variant has not been reported in the literature in individuals affected with FLNB-related conditions. Invitae Evidence Modeling of protein sequence and biophysical properties (such as structural, functional, and spatial information, amino acid conservation, physicochemical variation, residue mobility, and thermodynamic stability) has been performed for this missense variant. However, the output from this modeling did not meet the statistical confidence thresholds required to predict the impact of this variant on FLNB protein function. In summary, the available evidence is currently insufficient to determine the role of this variant in disease. Therefore, it has been classified as a Variant of Uncertain Significance.